The following is an entry in ClinVar:

ClinVar aggregate classification (germline): Uncertain significance (1 of 4 stars; one submission).

Conditions:
Naxos disease (NXD). Also called: KERATOSIS PALMOPLANTARIS WITH ARRHYTHMOGENIC CARDIOMYOPATHY; MAL DE NAXOS; PALMOPLANTAR KERATODERMA WITH ARRHYTHMOGENIC RIGHT VENTRICULAR CARDIOMYOPATHY AND WOOLLY HAIR; WOOLLY HAIR, PALMOPLANTAR KERATODERMA, AND CARDIAC ABNORMALITIES; CARDIOMYOPATHY, ARRHYTHMOGENIC RIGHT VENTRICULAR, WITH SKIN, HAIR, AND NAIL ABNORMALITIES. Identifiers: Orphanet 34217, MedGen C1832600, MONDO:0011017, OMIM 601214.
Arrhythmogenic right ventricular dysplasia 12. Also called: ARRHYTHMOGENIC RIGHT VENTRICULAR DYSPLASIA, FAMILIAL, 12. Identifiers: MedGen C1969081, MONDO:0012684, OMIM 611528.

gnomAD v4.1: 2 of 1,613,308 alleles (0.00012%); highest among the groups gnomAD compares: Non-Finnish European, 0.000085%; no homozygotes.

Submission:

Labcorp Genetics (formerly Invitae), Labcorp
Classification: Uncertain significance for Arrhythmogenic right ventricular dysplasia 12; Naxos disease. Last evaluated: 2024-10-21. Review status: criteria provided, single submitter. Criteria: Invitae Variant Classification Sherloc (09022015). Collection method: clinical testing. Allele origin: germline.
Comment: This sequence change replaces glycine, which is neutral and non-polar, with valine, which is neutral and non-polar, at codon 722 of the JUP protein (p.Gly722Val). This variant is not present in population databases (gnomAD no frequency). This variant has not been reported in the literature in individuals affected with JUP-related conditions. An algorithm developed to predict the effect of missense changes on protein structure and function (PolyPhen-2) suggests that this variant is likely to be tolerated. In summary, the available evidence is currently insufficient to determine the role of this variant in disease. Therefore, it has been classified as a Variant of Uncertain Significance.

NM_002230.4(JUP):c.2165G>T (p.Gly722Val)

Gene: JUP (junction plakoglobin; minus strand). Cytogenetic location: 17q21.2.
Variant type: single nucleotide variant.
Coding change: c.2165G>T on transcript NM_002230.4 (MANE Select); coding-DNA position 2165, G replaced by T.
Protein change: p.Gly722Val; replaces glycine 722 with valine.
Molecular consequence: missense variant.
Genome position (GRCh38, 1-based): chr17:41,755,817, C>A on the plus strand (G>T on the coding strand, the complement: JUP is on the minus strand). VCF-style: chr17-41755817-C-A. GRCh37 (hg19) VCF-style: chr17-39912069-C-A.
Other names: c.2165G>T, p.Gly722Val (NM_001352773.2, NM_001352774.2, NM_001352775.2 and 3 more transcripts); short protein forms G722V.
Identifiers: ClinVar variation 3751559 (VCV003751559.2).
Genomic context (GRCh38, chr17:41,755,817, plus strand): 5'-TGGTCTGCAGTGGGGTACGGGGGCCTGAGGCCGTCGCTGTAGGTGTCGATGGGGTAGTCT[C>A]CATCCATGTCCATGTGCATCTCCAGCGGGTCAAGGGGCACATCGCTGGAGTACATGGGGC-3'
Protein context (NP_002221.1, residues 712-732): DPLEMHMDMD[Gly722Val]DYPIDTYSDG